The following is an entry in ClinVar:

NM_001165963.4(SCN1A):c.1349del (p.Gln450fs)

Gene: SCN1A (sodium voltage-gated channel alpha subunit 1; minus strand). Cytogenetic location: 2q24.3.
Variant type: Deletion.
Coding change: c.1349del on transcript NM_001165963.4 (MANE Select); coding-DNA position 1349, one base deleted (A; older notation c.1349delA).
Protein change: p.Gln450fs; shifts the reading frame from glutamine 450.
Molecular consequence: frameshift variant. On other transcripts: 5 prime UTR variant (1), non-coding transcript variant (1).
Genome position (GRCh38, 1-based): chr2:166,046,798, T deleted on the plus strand (A on the coding strand, the reverse complement: SCN1A is on the minus strand). VCF-style (leftmost placement, unchanged base first): chr2-166046797-CT-C. GRCh37 (hg19) VCF-style: chr2-166903307-CT-C.
Other names: c.1349del, p.Gln450fs (NM_001165964.3, NM_001202435.3, NM_001353948.2 and 10 more transcripts); c.-1077del (NM_001353961.2); short protein forms Q450fs.
Identifiers: ClinVar variation 1434281 (VCV001434281.7), dbSNP rs2105861043, ClinGen allele CA2573133543.
Genomic context (GRCh38, chr2:166,046,797, plus strand): 5'-AAAGGTCAGTGCCATGAGACAGGGCAGCTTTACCTGAGCTGCCTCCTGTTGCTTTTTAAG[CT>C]GTTCAATCATCTGCTGAAATTCGGCCTCTTTCTGTTCTGCTTCTTCCAAGGTGGCCTGAT-3'

ClinVar aggregate classification (germline): Pathogenic (1 of 4 stars; one submission).

Conditions:
Early-infantile DEE. Also called: Ohtahara syndrome; Early infantile epileptic encephalopathy with suppression bursts; Early infantile epileptic encephalopathy. Identifiers: Orphanet 1934, MedGen C0393706, MONDO:0800491.

Submission:

Labcorp Genetics (formerly Invitae), Labcorp
Classification: Pathogenic for Early-infantile DEE. Last evaluated: 2022-03-19. Review status: criteria provided, single submitter. Criteria: Invitae Variant Classification Sherloc (09022015). Collection method: clinical testing. Allele origin: germline.
Comment: This variant is not present in population databases (gnomAD no frequency). This variant has not been reported in the literature in individuals affected with SCN1A-related conditions. For these reasons, this variant has been classified as Pathogenic. This sequence change creates a premature translational stop signal (p.Gln450Argfs*40) in the SCN1A gene. It is expected to result in an absent or disrupted protein product. Loss-of-function variants in SCN1A are known to be pathogenic (PMID: 17347258, 18930999).

Literature cited by the submitters: PubMed 17347258; PubMed 18930999.